The following is an entry in ClinVar:

ClinVar aggregate classification (germline): Uncertain significance (1 of 4 stars; one submission).

Conditions:
Familial adenomatous polyposis 1 (FAP1). Also called: POLYPOSIS, ADENOMATOUS INTESTINAL; FAMILIAL ADENOMATOUS POLYPOSIS 1, ATTENUATED. Identifiers: MedGen C2713442, MONDO:0021056, OMIM 175100. Disease mechanism: loss of function.

Submission:

Labcorp Genetics (formerly Invitae), Labcorp
Classification: Uncertain significance for Familial adenomatous polyposis 1. Last evaluated: 2021-07-22. Review status: criteria provided, single submitter. Criteria: Invitae Variant Classification Sherloc (09022015). Collection method: clinical testing. Allele origin: germline.
Comment: Algorithms developed to predict the effect of missense changes on protein structure and function are either unavailable or do not agree on the potential impact of this missense change (SIFT: "Deleterious"; PolyPhen-2: "Benign"; Align-GVGD: "Class C0"). In summary, the available evidence is currently insufficient to determine the role of this variant in disease. Therefore, it has been classified as a Variant of Uncertain Significance. This variant has not been reported in the literature in individuals affected with APC-related conditions. This variant is not present in population databases (ExAC no frequency). This sequence change replaces methionine with threonine at codon 819 of the APC protein (p.Met819Thr). The methionine residue is moderately conserved and there is a moderate physicochemical difference between methionine and threonine.

NM_000038.6(APC):c.2456T>C (p.Met819Thr)

Gene: APC (APC regulator of Wnt signaling pathway; plus strand). Cytogenetic location: 5q22.2.
Variant type: single nucleotide variant.
Coding change: c.2456T>C on transcript NM_000038.6 (MANE Select); coding-DNA position 2456, T replaced by C.
Protein change: p.Met819Thr; replaces methionine 819 with threonine.
Molecular consequence: missense variant.
Genome position (GRCh38, 1-based): chr5:112,838,050, T>C. VCF-style: chr5-112838050-T-C. GRCh37 (hg19) VCF-style: chr5-112173747-T-C.
Other names: c.2456T>C, p.Met819Thr (NM_001127510.3, NM_001354895.2); c.2402T>C, p.Met801Thr (NM_001127511.3); c.2510T>C, p.Met837Thr (NM_001354896.2); c.2486T>C, p.Met829Thr (NM_001354897.2); c.2381T>C, p.Met794Thr (NM_001354898.2); c.2372T>C, p.Met791Thr (NM_001354899.2); c.2333T>C, p.Met778Thr (NM_001354900.2); c.2279T>C, p.Met760Thr (NM_001354901.2); and 5 more; short protein forms M693T, M778T, M791T, M718T, M801T, M819T, M829T, M837T.
Identifiers: ClinVar variation 1406915 (VCV001406915.8), dbSNP rs2149869957, ClinGen allele CA16026726.